The following is an entry in ClinVar:

NM_032043.3(BRIP1):c.-30-6T>C

Gene: BRIP1 (BRCA1 interacting helicase 1; minus strand). Cytogenetic location: 17q23.2.
Variant type: single nucleotide variant.
Coding change: c.-30-6T>C on transcript NM_032043.3 (MANE Select); 6 bases into the intron before 30 bases upstream of the start codon, T replaced by C.
Molecular consequence: intron variant.
Genome position (GRCh38, 1-based): chr17:61,861,575, A>G on the plus strand (T>C on the coding strand, the complement: BRIP1 is on the minus strand). VCF-style: chr17-61861575-A-G. GRCh37 (hg19) VCF-style: chr17-59938936-A-G.
Identifiers: ClinVar variation 234573 (VCV000234573.2), dbSNP rs876661093, ClinGen allele CA10577569.
Genomic context (GRCh38, chr17:61,861,575, plus strand): 5'-TATATTCAGACCACATTGAAGACATAGTGCTTTCCTGTTTATTTCAGATTCCTAACTACA[A>G]CAGAAATGAAAATGTCAAATATTGAGACACGCCTTACAAAGAAAACCAGAGAACCAAAAC-3'

ClinVar aggregate classification (germline): Uncertain significance (1 of 4 stars; one submission).

Submission:

GeneDx
Classification: Uncertain significance. Last evaluated: 2015-10-16. Review status: criteria provided, single submitter. Criteria: GeneDx Variant Classification (06012015). Collection method: clinical testing. Allele origin: germline. Affected: yes.
Comment: This variant is denoted BRIP1 c.-30-6T>C or IVS1-6T>C and consists of a T>C nucleotide substitution at the -6 position of intron 1 of the BRIP1 gene. Of note, this nucleotide substitution is in the 5Â’ untranslated region (UTR), several base pairs upstream of the BRIP1 ATG translational start site which is located. While one in silico model predicts this variant to cause a moderate decrease in use of the nearby natural splice acceptor site, others do not predict a significant effect. However, in the absence of RNA or functional studies, the actual effect of this variant is unknown. This variant has not, to our knowledge, been published in the literature as pathogenic or benign. The thymine (T) nucleotide that is altered is conserved across species. Based on currently available information, it is unclear whether BRIP1 c.-30-6T>C is pathogenic or benign. We consider it to be a variant of uncertain significance.